The following is an entry in ClinVar:

NM_004640.7(DDX39B):c.1263_1266dup (p.Tyr423fs)

Genes: ATP6V1G2-DDX39B (ATP6V1G2-DDX39B readthrough (NMD candidate); minus strand), DDX39B (DExD-box helicase 39B; minus strand). Cytogenetic location: 6p21.33.
Variant type: Duplication.
Coding change: c.1263_1266dup on transcript NM_004640.7 (MANE Select); coding-DNA positions 1263 to 1266, 4 bases duplicated (CTCC; older notation c.1263_1266dupCTCC).
Protein change: p.Tyr423fs; shifts the reading frame from tyrosine 423.
Molecular consequence: frameshift variant. On other transcripts: non-coding transcript variant (2).
Genome position (GRCh38, 1-based): chr6:31,530,783-31,530,786, GGAG duplicated on the plus strand (CTCC on the coding strand, the reverse complement: DDX39B is on the minus strand); duplicating any 4 consecutive bases within chr6:31,530,783-31,530,787 gives the same sequence; the c. name uses the placement nearest the transcript's 3' end. VCF-style (leftmost placement, unchanged base first): chr6-31530782-A-AGGAG. GRCh37 (hg19) VCF-style: chr6-31498559-A-AGGAG.
Other names: c.1263_1266dup, p.Tyr423fs (NM_080598.6); short protein forms Y423fs.
Identifiers: ClinVar variation 5002846 (VCV005002846.1).

ClinVar aggregate classification (germline): Uncertain significance (1 of 4 stars; one submission).

Submission:

OLLIN Analises Genomicas, OLLIN
Classification: Uncertain significance. Last evaluated: 2026-08-06. Review status: criteria provided, single submitter. Criteria: ACMG Guidelines 2015 PMID 25741868. Collection method: clinical testing. Allele origin: germline.
Comment: This frameshift variant, located in exon 10 (of 11), is absent from gnomAD and ClinVar and has not been identified in the literature. This variant causes a frameshift and introduces a premature stop codon, which is predicted to result in either a truncated protein or degradation of the mRNA via nonsense-mediated decay (NMD). According to the currently available evidence, this variant has been classified as uncertain significance (PM2_P).